The following is an entry in ClinVar:

NM_000156.6(GAMT):c.220G>A (p.Ala74Thr)

Gene: GAMT (guanidinoacetate N-methyltransferase; minus strand). Cytogenetic location: 19p13.3.
Variant type: single nucleotide variant.
Coding change: c.220G>A on transcript NM_000156.6 (MANE Select); coding-DNA position 220, G replaced by A.
Protein change: p.Ala74Thr; replaces alanine 74 with threonine.
Molecular consequence: missense variant.
Genome position (GRCh38, 1-based): chr19:1,399,900, C>T on the plus strand (G>A on the coding strand, the complement: GAMT is on the minus strand). VCF-style: chr19-1399900-C-T. GRCh37 (hg19) VCF-style: chr19-1399899-C-T.
Other names: c.220G>A, p.Ala74Thr (NM_138924.3); short protein forms A74T.
Identifiers: ClinVar variation 651193 (VCV000651193.5), dbSNP rs749284008, ClinGen allele CA9043762.

ClinVar aggregate classification (germline): Uncertain significance. Review status: criteria provided, multiple submitters, no conflicts (2 of 4 stars). 3 submissions from 3 submitters: Uncertain significance (2). 1 of the submissions does not count toward it. Last evaluated 2022-06-04.

Conditions:
Cerebral creatine deficiency syndrome. Also called: Creatine deficiency syndromes. Identifiers: Orphanet 79172, MedGen C5244016, MONDO:0000456.
Deficiency of guanidinoacetate methyltransferase (CCDS2). Also called: GAMT DEFICIENCY; CEREBRAL CREATINE DEFICIENCY SYNDROME 2; Guanidinoacetate Methyltransferase (GAMT) Deficiency. Identifiers: Orphanet 382, MedGen C0574080, MONDO:0012999, OMIM 612736.

Allele frequency attached by ClinVar (database versions not stated): gnomAD 0.00002; TOPMed 0.00002; gnomAD exomes 0.00003; ExAC 0.00004.
gnomAD v4.1: 21 of 1,608,586 alleles (0.0013%); highest among the groups gnomAD compares: South Asian, 0.012%; no homozygotes.

Submissions (3):

Labcorp Genetics (formerly Invitae), Labcorp
Classification: Uncertain significance for Cerebral creatine deficiency syndrome. Last evaluated: 2022-06-04. Review status: criteria provided, single submitter. Criteria: Invitae Variant Classification Sherloc (09022015). Collection method: clinical testing. Allele origin: germline.
Comment: This sequence change replaces alanine, which is neutral and non-polar, with threonine, which is neutral and polar, at codon 74 of the GAMT protein (p.Ala74Thr). The frequency data for this variant in the population databases is considered unreliable, as metrics indicate poor data quality at this position in the gnomAD database. This variant has not been reported in the literature in individuals affected with GAMT-related conditions. ClinVar contains an entry for this variant (Variation ID: 651193). Algorithms developed to predict the effect of missense changes on protein structure and function are either unavailable or do not agree on the potential impact of this missense change (SIFT: "Deleterious"; PolyPhen-2: "Probably Damaging"; Align-GVGD: "Class C0"). In summary, the available evidence is currently insufficient to determine the role of this variant in disease. Therefore, it has been classified as a Variant of Uncertain Significance.

Fulgent Genetics
Classification: Uncertain significance for Deficiency of guanidinoacetate methyltransferase. Last evaluated: 2021-07-27. Review status: criteria provided, single submitter. Criteria: ACMG Guidelines, 2015. Collection method: clinical testing. Allele origin: unknown.

Natera, Inc.
Classification: Uncertain significance for Guanidinoacetate methyltransferase deficiency. Last evaluated: 2021-03-12. Review status: no assertion criteria provided. Collection method: clinical testing. Allele origin: germline. Not counted in ClinVar's aggregate classification.